The following is an entry in ClinVar:

ClinVar aggregate classification (germline): Benign/Likely benign. Review status: criteria provided, multiple submitters, no conflicts (2 of 4 stars). 6 submissions from 6 submitters: Benign (1); Likely benign (4). 1 of the submissions does not count toward it. Last evaluated 2025-12-29.

Conditions:
TJP2-related disorder. Also called: TJP2-related condition.

Allele frequency attached by ClinVar (database versions not stated): ESP Exome Variant Server 0.00008; gnomAD 0.00009 and 0.00012; gnomAD exomes 0.00011 and 0.00017; TOPMed 0.00011; ExAC 0.00013; 1000 Genomes Project 30x 0.00016; 1000 Genomes Project 0.00020.
gnomAD v4.1: 177 of 1,613,930 alleles (0.011%); highest among the groups gnomAD compares: East Asian, 0.23%; 2 homozygotes.

Submissions (6):

Center for Genomic Medicine, Rigshospitalet, Copenhagen University Hospital
Classification: Likely benign. Last evaluated: 2025-12-29. Review status: criteria provided, single submitter. Criteria: ACMG Guidelines, 2015. Collection method: clinical testing. Allele origin: germline.
Comment: Classification criteria: BP4, BP7

Labcorp Genetics (formerly Invitae), Labcorp
Classification: Likely benign. Last evaluated: 2025-05-21. Review status: criteria provided, single submitter. Criteria: Invitae Variant Classification Sherloc (09022015). Collection method: clinical testing. Allele origin: germline.

Mayo Clinic Laboratories, Mayo Clinic
Classification: Likely benign. Last evaluated: 2025-02-11. Review status: criteria provided, single submitter. Criteria: ACMG Guidelines, 2015. Collection method: clinical testing. Allele origin: germline. Observed: 1 variant allele.
Comment: BS1, BP4, BP7

Blueprint Genetics
Classification: Benign. Last evaluated: 2024-10-31. Review status: criteria provided, single submitter. Criteria: ACMG Guidelines, 2015. Collection method: clinical testing. Allele origin: germline.

GeneDx
Classification: Likely benign. Last evaluated: 2019-03-26. Review status: criteria provided, single submitter. Criteria: GeneDx Variant Classification Process June 2021. Collection method: clinical testing. Allele origin: germline. Affected: yes.

PreventionGenetics, part of Exact Sciences
Classification: Likely benign for TJP2-related condition. Last evaluated: 2023-04-26. Review status: no assertion criteria provided. Collection method: clinical testing. Allele origin: germline. Not counted in ClinVar's aggregate classification.
Comment: This variant is classified as likely benign based on ACMG/AMP sequence variant interpretation guidelines (Richards et al. 2015 PMID: 25741868, with internal and published modifications).

NM_004817.4(TJP2):c.1005G>A (p.Thr335=)

Gene: TJP2 (tight junction protein 2; plus strand). Cytogenetic location: 9q21.11.
Variant type: single nucleotide variant.
Coding change: c.1005G>A on transcript NM_004817.4 (MANE Select); coding-DNA position 1005, G replaced by A.
Protein change: p.Thr335=; no amino-acid change (threonine 335 retained).
Molecular consequence: synonymous variant.
Genome position (GRCh38, 1-based): chr9:69,225,356, G>A. VCF-style: chr9-69225356-G-A. GRCh37 (hg19) VCF-style: chr9-71840272-G-A.
Other names: p.Thr335=; c.936G>A, p.Thr312= (NM_001170414.2, NM_001369870.1, NM_001369871.1); c.1017G>A, p.Thr339= (NM_001170415.1, NM_001369874.1, NM_001369875.1); c.1098G>A, p.Thr366= (NM_001170416.2); c.1005G>A, p.Thr335= (NM_001369872.1, NM_001369873.1, NM_201629.3 and 1 more transcripts).
Identifiers: ClinVar variation 511183 (VCV000511183.16), dbSNP rs140444730, ClinGen allele CA5073165.
Genomic context (GRCh38, chr9:69,225,356, plus strand): 5'-TCTCCTAGAGTATGGTCTCCGGCTTGGGAGTCAGATCTTCGTAAAGGAAATGACCCGAAC[G>A]GGTCTGGCAACTAAAGATGGCAACCTTCACGAAGGAGACATAATTCTCAAGGTGGGTAGA-3'
Protein context (NP_004808.2, residues 325-345): SQIFVKEMTR[Thr335=]GLATKDGNLH